The following is an entry in ClinVar:

ClinVar aggregate classification (germline): Uncertain significance (1 of 4 stars; one submission).

Conditions:
Autosomal recessive congenital ichthyosis 1 (LI1). Also called: ICHTHYOSIS, CONGENITAL, AUTOSOMAL RECESSIVE 1, WITH BATHING SUIT DISTRIBUTION; ICHTHYOSIS, CONGENITAL, AUTOSOMAL RECESSIVE 1, WITH OR WITHOUT BATHING SUIT DISTRIBUTION; COLLODION FETUS; DESQUAMATION OF NEWBORN; ICHTHYOSIS CONGENITA; ICHTHYOSIS CONGENITA II. Identifiers: MedGen C4551630, MONDO:0009441, OMIM 242300.

gnomAD v4.1: 1 of 1,571,434 alleles (0.000064%); highest among the groups gnomAD compares: East Asian, 0.0023%; no homozygotes.

Submission:

Myriad Genetics, Inc.
Classification: Uncertain significance for Autosomal recessive congenital ichthyosis 1. Last evaluated: 2026-06-12. Review status: criteria provided, single submitter. Criteria: Myriad Autosomal Dominant, Autosomal Recessive and X-Linked Classification Criteria (2023). Collection method: clinical testing. Allele origin: unknown.
Comment: NM_000359.2(TGM1):c.1448G>T(G483V) is a missense variant classified as a variant of uncertain significance in the context of TGM1-related autosomal recessive congenital ichthyosis. G483V has not been observed in cases with relevant disease. Relevant functional assessments of this variant are not available in the literature. G483V has not been observed in referenced population frequency databases. In summary, there is insufficient evidence to classify NM_000359.2(TGM1):c.1448G>T(G483V) as pathogenic or benign. Please note: this variant was assessed in the context of healthy population screening.

NM_000359.3(TGM1):c.1448G>T (p.Gly483Val)

Gene: TGM1 (transglutaminase 1; minus strand). Cytogenetic location: 14q12.
Variant type: single nucleotide variant.
Coding change: c.1448G>T on transcript NM_000359.3 (MANE Select); coding-DNA position 1448, G replaced by T.
Protein change: p.Gly483Val; replaces glycine 483 with valine.
Molecular consequence: missense variant.
Genome position (GRCh38, 1-based): chr14:24,256,032, C>A on the plus strand (G>T on the coding strand, the complement: TGM1 is on the minus strand). VCF-style: chr14-24256032-C-A. GRCh37 (hg19) VCF-style: chr14-24725238-C-A.
Other names: short protein forms G483V.
Identifiers: ClinVar variation 5003428 (VCV005003428.1).